The following is an entry in ClinVar:

ClinVar aggregate classification (germline): Uncertain significance. Review status: criteria provided, multiple submitters, no conflicts (2 of 4 stars). 2 submissions from 2 submitters: Uncertain significance (2). Last evaluated 2024-02-20.

Conditions:
Cardiovascular phenotype. Identifiers: MedGen CN230736.
Arrhythmogenic right ventricular dysplasia 8 (ARVD8). Also called: Arrhythmogenic Right Ventricular Dysplasia/Cardiomyopathy 8; ARRHYTHMOGENIC RIGHT VENTRICULAR DYSPLASIA, FAMILIAL, 8; ARRHYTHMOGENIC RIGHT VENTRICULAR CARDIOMYOPATHY 8. Identifiers: MedGen C1843896, MONDO:0011831, OMIM 607450.
Arrhythmogenic cardiomyopathy with wooly hair and keratoderma. Also called: PALMOPLANTAR KERATODERMA WITH LEFT VENTRICULAR CARDIOMYOPATHY AND WOOLLY HAIR; Dilated cardiomyopathy with woolly hair and keratoderma; Carvajal syndrome; Arrhythmogenic cardiomyopathy with woolly hair and keratoderma. Identifiers: Orphanet 65282, MedGen C1854063, MONDO:0011581, OMIM 605676.

Submissions (2):

Labcorp Genetics (formerly Invitae), Labcorp
Classification: Uncertain significance for Arrhythmogenic cardiomyopathy with wooly hair and keratoderma; Arrhythmogenic right ventricular dysplasia 8. Last evaluated: 2024-02-20. Review status: criteria provided, single submitter. Criteria: Invitae Variant Classification Sherloc (09022015). Collection method: clinical testing. Allele origin: germline.
Comment: This sequence change replaces isoleucine, which is neutral and non-polar, with valine, which is neutral and non-polar, at codon 1770 of the DSP protein (p.Ile1770Val). This variant is not present in population databases (gnomAD no frequency). This variant has not been reported in the literature in individuals affected with DSP-related conditions. ClinVar contains an entry for this variant (Variation ID: 1396522). An algorithm developed to predict the effect of missense changes on protein structure and function (PolyPhen-2) suggests that this variant is likely to be tolerated. In summary, the available evidence is currently insufficient to determine the role of this variant in disease. Therefore, it has been classified as a Variant of Uncertain Significance.

Ambry Genetics
Classification: Uncertain significance for Cardiovascular phenotype. Last evaluated: 2023-10-19. Review status: criteria provided, single submitter. Criteria: Ambry Variant Classification Scheme 2023. Collection method: clinical testing. Allele origin: germline.
Comment: The p.I1770V variant (also known as c.5308A>G), located in coding exon 23 of the DSP gene, results from an A to G substitution at nucleotide position 5308. The isoleucine at codon 1770 is replaced by valine, an amino acid with highly similar properties. This amino acid position is conserved. In addition, this alteration is predicted to be tolerated by in silico analysis. Since supporting evidence is limited at this time, the clinical significance of this alteration remains unclear.

NM_004415.4(DSP):c.5308A>G (p.Ile1770Val)

Gene: DSP (desmoplakin; plus strand). Cytogenetic location: 6p24.3.
Variant type: single nucleotide variant.
Coding change: c.5308A>G on transcript NM_004415.4 (MANE Select); coding-DNA position 5308, A replaced by G.
Protein change: p.Ile1770Val; replaces isoleucine 1770 with valine.
Molecular consequence: missense variant. On other transcripts: intron variant (2).
Genome position (GRCh38, 1-based): chr6:7,581,498, A>G. VCF-style: chr6-7581498-A-G. GRCh37 (hg19) VCF-style: chr6-7581731-A-G.
Other names: c.4051-1144A>G (NM_001319034.2); c.3583-1144A>G (NM_001008844.3); c.5308A>G (NM_004415.2); short protein forms I1770V.
Identifiers: ClinVar variation 1396522 (VCV001396522.9), dbSNP rs2113696065, ClinGen allele CA362688306.